The following is an entry in ClinVar:

ClinVar aggregate classification (germline): Uncertain significance (1 of 4 stars; one submission).

Allele frequency attached by ClinVar (database versions not stated): TOPMed 0.00001; gnomAD 0.00002; ExAC 0.00009; 1000 Genomes Project 30x 0.00016; 1000 Genomes Project 0.00020.
gnomAD v4.1: 16 of 1,597,326 alleles (0.001%); highest among the groups gnomAD compares: East Asian, 0.034%; no homozygotes.

Submission:

Ambry Genetics
Classification: Uncertain significance. Last evaluated: 2024-03-07. Review status: criteria provided, single submitter. Criteria: Ambry Variant Classification Scheme 2023. Collection method: clinical testing. Allele origin: germline.
Comment: The c.1354G>A (p.V452M) alteration is located in exon (coding exon ) of the SH3RF3 gene. This alteration results from a G to A substitution at nucleotide position 1354, causing the valine (V) at amino acid position 452 to be replaced by a methionine (M). Based on insufficient or conflicting evidence, the clinical significance of this alteration remains unclear.

NM_001099289.3(SH3RF3):c.1354G>A (p.Val452Met)

Genes: RANBP2 (RAN binding protein 2; plus strand), SH3RF3 (SH3 domain containing ring finger 3; plus strand). Cytogenetic location: 2q13.
Variant type: single nucleotide variant.
Coding change: c.1354G>A on transcript NM_001099289.3 (MANE Select); coding-DNA position 1354, G replaced by A.
Protein change: p.Val452Met; replaces valine 452 with methionine.
Molecular consequence: missense variant.
Genome position (GRCh38, 1-based): chr2:109,419,593, G>A. VCF-style: chr2-109419593-G-A. GRCh37 (hg19) VCF-style: chr2-110036049-G-A.
Other names: short protein forms V452M.
Identifiers: ClinVar variation 3161410 (VCV003161410.1), dbSNP rs574646362, ClinGen allele CA1825622.
Genomic context (GRCh38, chr2:109,419,593, plus strand): 5'-TTCCAGGATGTCTCCTCCTCGGCGGGATCTACCCCCACGGCTGTCCCACGGGCTGCCTCG[G>A]TGTCTGGAGAGCAGGGCACGCCTCCCAAGGTCCAGCTGCCCCTCAACGTGTGAGCTGCCC-3'
Protein context (NP_001092759.1, residues 442-462): TPTAVPRAAS[Val452Met]SGEQGTPPKV